The following is an entry in ClinVar:

ClinVar aggregate classification (germline): Uncertain significance (1 of 4 stars; one submission).

Conditions:
Charcot-Marie-Tooth disease type 2. Also called: Charcot-Marie-Tooth type 2. Identifiers: Orphanet 64746, MedGen C0270914, MONDO:0018993.

gnomAD v4.1: 1 of 1,613,438 alleles (0.000062%); highest among the groups gnomAD compares: South Asian, 0.0011%; no homozygotes.

Submission:

Labcorp Genetics (formerly Invitae), Labcorp
Classification: Uncertain significance for Charcot-Marie-Tooth disease type 2. Last evaluated: 2024-10-16. Review status: criteria provided, single submitter. Criteria: Invitae Variant Classification Sherloc (09022015). Collection method: clinical testing. Allele origin: germline.
Comment: This sequence change replaces glycine, which is neutral and non-polar, with serine, which is neutral and polar, at codon 649 of the LMNA protein (p.Gly649Ser). This variant is not present in population databases (gnomAD no frequency). This variant has not been reported in the literature in individuals affected with LMNA-related conditions. Invitae Evidence Modeling of protein sequence and biophysical properties (such as structural, functional, and spatial information, amino acid conservation, physicochemical variation, residue mobility, and thermodynamic stability) has been performed for this missense variant. However, the output from this modeling did not meet the statistical confidence thresholds required to predict the impact of this variant on LMNA protein function. In summary, the available evidence is currently insufficient to determine the role of this variant in disease. Therefore, it has been classified as a Variant of Uncertain Significance.

NM_170707.4(LMNA):c.1945G>A (p.Gly649Ser)

Gene: LMNA (lamin A/C; plus strand). Cytogenetic location: 1q22.
Variant type: single nucleotide variant.
Coding change: c.1945G>A on transcript NM_170707.4 (MANE Select); coding-DNA position 1945, G replaced by A.
Protein change: p.Gly649Ser; replaces glycine 649 with serine.
Molecular consequence: missense variant. On other transcripts: intron variant (1).
Genome position (GRCh38, 1-based): chr1:156,138,734, G>A. VCF-style: chr1-156138734-G-A. GRCh37 (hg19) VCF-style: chr1-156108525-G-A.
Other names: c.1609G>A, p.Gly537Ser (NM_001257374.3, NM_001406989.1); c.1945G>A, p.Gly649Ser (NM_001406983.1, NM_001406985.1, NM_001406991.1); c.1702G>A, p.Gly568Ser (NM_001406986.1, NM_001406987.1); c.1648G>A, p.Gly550Ser (NM_001406988.1); c.1387G>A, p.Gly463Ser (NM_001406990.1, NM_001406993.1, NM_001406995.1 and 2 more transcripts); c.1321G>A, p.Gly441Ser (NM_001406994.1, NM_001406999.1, NM_001407000.1 and 1 more transcripts); c.1855G>A, p.Gly619Ser (NM_170708.4); c.1818+127G>A (NM_001282626.2); short protein forms G441S, G619S, G463S, G550S, G568S, G537S, G649S.
Identifiers: ClinVar variation 3633641 (VCV003633641.2).